The following is an entry in ClinVar:

ClinVar aggregate classification (germline): Conflicting classifications of pathogenicity. Review status: criteria provided, conflicting classifications (1 of 4 stars). 2 submissions from 2 submitters: Uncertain significance (1); Likely benign (1). Last evaluated 2025-05-23.

Conditions:
Hereditary cancer-predisposing syndrome. Also called: Neoplastic Syndromes, Hereditary; Tumor predisposition; Hereditary Cancer Syndrome; Hereditary neoplastic syndrome. Identifiers: Orphanet 140162, MedGen C0027672, MeSH D009386, MONDO:0015356.
Familial cancer of breast. Also called: BREAST CANCER, FAMILIAL; Hereditary breast cancer; hereditary breast carcinoma. Identifiers: Orphanet 227535, MedGen C0346153, MONDO:0016419, OMIM 114480. Disease mechanism: loss of function.

Allele frequency attached by ClinVar (database versions not stated): gnomAD exomes below 0.00001.
gnomAD v4.1: 3 of 1,593,960 alleles (0.00019%); highest among the groups gnomAD compares: South Asian, 0.0023%; no homozygotes.

Submissions (2):

Ambry Genetics
Classification: Likely benign for Hereditary cancer-predisposing syndrome. Last evaluated: 2025-05-23. Review status: criteria provided, single submitter. Criteria: Ambry Variant Classification Scheme 2023. Collection method: clinical testing. Allele origin: germline.

Labcorp Genetics (formerly Invitae), Labcorp
Classification: Uncertain significance for Familial cancer of breast. Last evaluated: 2022-04-16. Review status: criteria provided, single submitter. Criteria: Invitae Variant Classification Sherloc (09022015). Collection method: clinical testing. Allele origin: germline.
Comment: This sequence change replaces glutamic acid, which is acidic and polar, with aspartic acid, which is acidic and polar, at codon 219 of the CHEK2 protein (p.Glu219Asp). This variant is present in population databases (no rsID available, gnomAD 0.004%). This variant has not been reported in the literature in individuals affected with CHEK2-related conditions. ClinVar contains an entry for this variant (Variation ID: 481716). Algorithms developed to predict the effect of missense changes on protein structure and function (SIFT, PolyPhen-2, Align-GVGD) all suggest that this variant is likely to be tolerated. In summary, the available evidence is currently insufficient to determine the role of this variant in disease. Therefore, it has been classified as a Variant of Uncertain Significance.

Literature cited by the submitters: PubMed 30287823 (cited by Ambry Genetics); PubMed 31214711 (cited by Ambry Genetics); PubMed 37449874 (cited by Ambry Genetics).

NM_007194.4(CHEK2):c.657A>C (p.Glu219Asp)

Gene: CHEK2 (checkpoint kinase 2; minus strand). Cytogenetic location: 22q12.1.
Variant type: single nucleotide variant.
Coding change: c.657A>C on transcript NM_007194.4 (MANE Select); coding-DNA position 657, A replaced by C.
Protein change: p.Glu219Asp; replaces glutamic acid 219 with aspartic acid.
Molecular consequence: missense variant. On other transcripts: 5 prime UTR variant (2), intron variant (1).
Genome position (GRCh38, 1-based): chr22:28,719,421, T>G on the plus strand (A>C on the coding strand, the complement: CHEK2 is on the minus strand). VCF-style: chr22-28719421-T-G. GRCh37 (hg19) VCF-style: chr22-29115409-T-G.
Other names: c.786A>C, p.Glu262Asp (NM_001005735.3, NM_001438294.1); c.-7A>C (NM_001257387.3, NM_001437942.1); c.750A>C, p.Glu250Asp (NM_001438293.1, NM_001438295.1); c.657A>C, p.Glu219Asp (NM_145862.3); c.482+5465A>C (NM_001349956.3); short protein forms E219D, E262D, E250D.
Identifiers: ClinVar variation 481716 (VCV000481716.12), dbSNP rs1222043566, ClinGen allele CA411104932.